The following is an entry in ClinVar:

ClinVar aggregate classification (germline): Uncertain significance (1 of 4 stars; one submission).

Conditions:
Hereditary cancer-predisposing syndrome. Also called: Neoplastic Syndromes, Hereditary; Tumor predisposition; Hereditary Cancer Syndrome; Hereditary neoplastic syndrome. Identifiers: Orphanet 140162, MedGen C0027672, MeSH D009386, MONDO:0015356.

Submission:

Ambry Genetics
Classification: Uncertain significance for Hereditary cancer-predisposing syndrome. Last evaluated: 2015-05-21. Review status: criteria provided, single submitter. Criteria: Ambry Autosomal Dominant and X-Linked criteria (10/2015). Collection method: clinical testing. Allele origin: germline. Observed: 1 variant allele.
Comment: The p.E962G variant (also known as c.2885A>G), located in coding exon 22 of the NF1 gene, results from an A to G substitution at nucleotide position 2885. The glutamic acid at codon 962 is replaced by glycine, an amino acid with somesimilar properties. This variant was not reported in population based cohorts in the following databases: Database of Single Nucleotide Polymorphisms (dbSNP), NHLBI Exome Sequencing Project (ESP), and 1000 Genomes Project. In the ESP, this variant was not observed in 6502 samples (13004 alleles) with coverage at this position. To date, this alteration has been detected with an allele frequency of approximately 0.002% (greater than 55000alleles tested) in our clinical cohort.This amino acid position is highly conserved in available vertebrate species. In addition, this alteration is predicted to be deleterious by in silico analysis.Since supporting evidence is limited at this time, the clinical significance of p.E962Gremains unclear.

NM_001042492.3(NF1):c.2885A>G (p.Glu962Gly)

Gene: NF1 (neurofibromin 1; plus strand). Cytogenetic location: 17q11.2.
Variant type: single nucleotide variant.
Coding change: c.2885A>G on transcript NM_001042492.3 (MANE Select); coding-DNA position 2885, A replaced by G.
Protein change: p.Glu962Gly; replaces glutamic acid 962 with glycine.
Molecular consequence: missense variant.
Genome position (GRCh38, 1-based): chr17:31,229,869, A>G. VCF-style: chr17-31229869-A-G. GRCh37 (hg19) VCF-style: chr17-29556887-A-G.
Other names: c.2885A>G, p.Glu962Gly (NM_000267.4); short protein forms E962G.
Identifiers: ClinVar variation 231982 (VCV000231982.3), dbSNP rs876659474, ClinGen allele CA10580266.